The following is an entry in ClinVar:

ClinVar aggregate classification (germline): Likely pathogenic (1 of 4 stars; one submission).

Conditions:
Usher syndrome type 1B (USH1B). Also called: Usher syndrome type IB. Identifiers: MedGen C1848638, MONDO:0700087.

Submission:

Natera, Inc.
Classification: Likely pathogenic for Usher syndrome type 1B. Last evaluated: 2024-12-30. Review status: criteria provided, single submitter. Criteria: Natera Variant Classification Schema (03/2026). Collection method: clinical testing. Allele origin: germline.
Comment: The c.342C>G variant in MYO7A is a nonsense variant predicted to introduce a stop codon at amino acid 114. This variant is expected to result in nonsense mediated decay, truncation, or a dysfunctional protein product. This variant is rare in the general population with a frequency below the threshold expected for the associated phenotype(s). Given the available evidence, this variant is classified as Likely Pathogenic.

NM_000260.4(MYO7A):c.342C>G (p.Tyr114Ter)

Gene: MYO7A (myosin VIIA; plus strand). Cytogenetic location: 11q13.5.
Variant type: single nucleotide variant.
Coding change: c.342C>G on transcript NM_000260.4 (MANE Select); coding-DNA position 342, C replaced by G.
Protein change: p.Tyr114Ter; replaces tyrosine 114 with a stop codon.
Molecular consequence: nonsense.
Genome position (GRCh38, 1-based): chr11:77,155,963, C>G. VCF-style: chr11-77155963-C-G. GRCh37 (hg19) VCF-style: chr11-76867009-C-G.
Other names: c.342C>G, p.Tyr114Ter (NM_001127180.2); c.309C>G, p.Tyr103Ter (NM_001369365.1); short protein forms Y103*, Y114*.
Identifiers: ClinVar variation 4818021 (VCV004818021.1).
Genomic context (GRCh38, chr11:77,155,963, plus strand): 5'-GCAGACGTATACGGGCTCCATCCTGGTGGCTGTGAACCCCTACCAGCTGCTCTCCATCTA[C>G]TCGCCAGAGCACATCCGCCAGTATACCAACAAGAAGATTGGGGAGATGCCCCCCCACATC-3'